The following is an entry in ClinVar:

ClinVar aggregate classification (germline): Likely benign. Review status: criteria provided, multiple submitters, no conflicts (2 of 4 stars). 2 submissions from 2 submitters: Likely benign (2). Last evaluated 2024-11-01.

Conditions:
Kleefstra syndrome 1 (KLEFS1). Identifiers: Orphanet 261494, MedGen C0795833, MONDO:0027407, OMIM 610253.

gnomAD v4.1: 4 of 954,976 alleles (0.00042%); highest among the groups gnomAD compares: Non-Finnish European, 0.0005%; no homozygotes.

Submissions (2):

CeGaT Center for Human Genetics Tuebingen
Classification: Likely benign. Last evaluated: 2024-11-01. Review status: criteria provided, single submitter. Criteria: CeGaT Center For Human Genetics Tuebingen Variant Classification Criteria Version 2. Collection method: clinical testing. Allele origin: germline. Affected: yes. Observed: 1 variant allele.
Comment: EHMT1: BP4, BP7

Labcorp Genetics (formerly Invitae), Labcorp
Classification: Likely benign for Kleefstra syndrome 1. Last evaluated: 2023-04-26. Review status: criteria provided, single submitter. Criteria: Invitae Variant Classification Sherloc (09022015). Collection method: clinical testing. Allele origin: germline.

NM_024757.5(EHMT1):c.18C>G (p.Ala6=)

Genes: EHMT1 (euchromatic histone lysine methyltransferase 1; plus strand), LOC130003135 (ATAC-STARR-seq lymphoblastoid silent region 20636; plus strand). Cytogenetic location: 9q34.3.
Variant type: single nucleotide variant.
Coding change: c.18C>G on transcript NM_024757.5 (MANE Select); coding-DNA position 18, C replaced by G.
Protein change: p.Ala6=; no amino-acid change (alanine 6 retained).
Molecular consequence: synonymous variant. On other transcripts: 5 prime UTR variant (2).
Genome position (GRCh38, 1-based): chr9:137,619,046, C>G. VCF-style: chr9-137619046-C-G. GRCh37 (hg19) VCF-style: chr9-140513498-C-G.
Other names: c.18C>G, p.Ala6= (NM_001145527.2, NM_001354263.2, NM_001354611.2); c.-12C>G (NM_001354259.2, NM_001354612.2).
Identifiers: ClinVar variation 2817751 (VCV002817751.17), dbSNP rs1588999893, ClinGen allele CA467868066.
Genomic context (GRCh38, chr9:137,619,046, plus strand): 5'-GATGGCGCGCGGGAGGGGCGGGGCCACGCTGCGGGCCCGGGCCATGGCCGCCGCCGATGC[C>G]GAGGTGAGCAGCGGGGCCGGCGGGGGGCGGCGCGGGGGCGGCGGGCAGCGGCGGAGGCGG-3'
Protein context (NP_079033.4, residues 1-16): MAAAD[Ala6=]EAVPARGEPQ